The following is an entry in ClinVar:

NM_015378.4(VPS13D):c.9304C>G (p.Pro3102Ala)

Gene: VPS13D (vacuolar protein sorting 13 homolog D; plus strand). Cytogenetic location: 1p36.22.
Variant type: single nucleotide variant.
Coding change: c.9304C>G on transcript NM_015378.4 (MANE Select); coding-DNA position 9304, C replaced by G.
Protein change: p.Pro3102Ala; replaces proline 3102 with alanine.
Molecular consequence: missense variant.
Genome position (GRCh38, 1-based): chr1:12,349,247, C>G. VCF-style: chr1-12349247-C-G. GRCh37 (hg19) VCF-style: chr1-12409304-C-G.
Other names: c.9229C>G, p.Pro3077Ala (NM_018156.4); c.9304C>G (NM_015378.2); short protein forms P3102A, P3077A.
Identifiers: ClinVar variation 873478 (VCV000873478.6), dbSNP rs1465369949, ClinGen allele CA338492492.
Genomic context (GRCh38, chr1:12,349,247, plus strand): 5'-ATGCCAGGGGATTCGTTTGCTGTGCCTTTACACCTCACTTCTTGGCGGCTACAGGCCCGG[C>G]CCAAAGGATTGGGTGTATTTTTCTGTAAGGCTCCCATTCATTGGACCAATGTAGTGAAGA-3'
Protein context (NP_056193.2, residues 3092-3112): HLTSWRLQAR[Pro3102Ala]KGLGVFFCKA

ClinVar aggregate classification (germline): Uncertain significance. Review status: criteria provided, multiple submitters, no conflicts (2 of 4 stars). 3 submissions from 3 submitters: Uncertain significance (3). Last evaluated 2024-09-05.

Conditions:
Autosomal recessive cerebellar ataxia-saccadic intrusion syndrome. Also called: VPS13D Movement Disorder; SPINOCEREBELLAR ATAXIA 24. Identifiers: Orphanet 95434, MedGen C1846492, MONDO:0011811, OMIM 607317.
Inborn genetic diseases. Identifiers: MedGen C0950123, MeSH D030342.

Allele frequency attached by ClinVar (database versions not stated): TOPMed below 0.00001; gnomAD 0.00001.
gnomAD v4.1: 1 of 1,613,978 alleles (0.000062%); highest among the groups gnomAD compares: Non-Finnish European, 0.000085%; no homozygotes.

Submissions (3):

Ambry Genetics
Classification: Uncertain significance for Inborn genetic diseases. Last evaluated: 2024-09-05. Review status: criteria provided, single submitter. Criteria: Ambry Variant Classification Scheme 2023. Collection method: clinical testing. Allele origin: germline.

GeneDx
Classification: Uncertain significance. Last evaluated: 2020-02-01. Review status: criteria provided, single submitter. Criteria: GeneDx Variant Classification Process June 2021. Collection method: clinical testing. Allele origin: germline. Affected: yes.
Comment: Not observed at a significant frequency in large population cohorts (Lek et al., 2016); In silico analysis supports that this missense variant has a deleterious effect on protein structure/function; Has not been previously published as pathogenic or benign to our knowledge

Illumina Laboratory Services, Illumina
Classification: Uncertain significance for Autosomal recessive cerebellar ataxia-saccadic intrusion syndrome. Last evaluated: 2020-01-10. Review status: criteria provided, single submitter. Criteria: ICSLVariantClassificationCriteria RUGD 01 April 2020. Collection method: clinical testing. Allele origin: unknown.
Comment: The VPS13D c.9304C>G (p.Pro3102Ala) variant is a missense variant. A literature search was performed for the gene, cDNA change, and amino acid change. No publications were found based on this search. This variant is found in one allele in the Genome Aggregation Database in a region of good sequence coverage, so the variant is presumed to be rare. Based on the limited evidence, the p.Pro3102Ala variant is classified as variant of uncertain significance for VPS13D-related movement disorder.